The following is an entry in ClinVar:

ClinVar aggregate classification (germline): Conflicting classifications of pathogenicity. Review status: criteria provided, conflicting classifications (1 of 4 stars). 7 submissions from 7 submitters: Uncertain significance (4); Benign (1); Likely benign (2). Last evaluated 2025-12-24.

Conditions:
Fibromuscular dysplasia, multifocal. Identifiers: MedGen C5543412, MONDO:0859151, OMIM 619329.
Ehlers-Danlos syndrome, classic type, 1 (EDSCL1). Also called: Ehlers-Danlos Syndrome, Classic Type, COL5A1-Related; EHLERS-DANLOS SYNDROME, GRAVIS TYPE; EHLERS-DANLOS SYNDROME, SEVERE CLASSIC TYPE; Ehlers-Danlos syndrome, type 1; EDS I. Identifiers: MedGen C0268335, MONDO:0019567, OMIM 130000.
Familial thoracic aortic aneurysm and aortic dissection (TAAD). Also called: Thoracic aortic aneurysms and dissections. Identifiers: Orphanet 91387, MedGen C4707243, MONDO:0019625.

Allele frequency attached by ClinVar (database versions not stated): ExAC 0.00003; TOPMed 0.00007; gnomAD 0.00008 and 0.00007; ESP Exome Variant Server 0.00015.
gnomAD v4.1: 271 of 1,613,976 alleles (0.017%); highest among the groups gnomAD compares: Non-Finnish European, 0.022%; no homozygotes.

Submissions (7):

Labcorp Genetics (formerly Invitae), Labcorp
Classification: Benign for Ehlers-Danlos syndrome, classic type, 1. Last evaluated: 2025-12-24. Review status: criteria provided, single submitter. Criteria: Invitae Variant Classification Sherloc (09022015). Collection method: clinical testing. Allele origin: germline.

Women's Health and Genetics/Laboratory Corporation of America, LabCorp
Classification: Likely benign. Last evaluated: 2025-05-20. Review status: criteria provided, single submitter. Criteria: LabCorp Variant Classification Summary - May 2015. Collection method: clinical testing. Allele origin: germline.
Comment: Variant summary: COL5A1 c.4717A>G (p.Ile1573Val) results in a conservative amino acid change in the encoded protein sequence. Algorithms developed to predict the effect of missense changes on protein structure and function are either unavailable or do not agree on the potential impact of this missense change. The variant allele was found at a frequency of 6e-05 in 249554 control chromosomes. The observed variant frequency is approximately 2 fold of the estimated maximal expected allele frequency for a pathogenic variant in COL5A1 causing Ehlers-Danlos syndrome, classic type, Ehlers-Danlos syndrome, classic type, 1 phenotype (3.1e-05). To our knowledge, no occurrence of c.4717A>G in individuals affected with Ehlers-Danlos syndrome, classic type, Ehlers-Danlos syndrome, classic type, 1 and no experimental evidence demonstrating its impact on protein function have been reported. ClinVar contains an entry for this variant (Variation ID: 220985). Based on the evidence outlined above, the variant was classified as likely benign.

ARUP Laboratories, Molecular Genetics and Genomics, ARUP Laboratories
Classification: Likely benign. Last evaluated: 2024-12-09. Review status: criteria provided, single submitter. Criteria: ARUP Molecular Germline Variant Investigation Process 2024. Collection method: clinical testing. Allele origin: germline.

GeneDx
Classification: Uncertain significance. Last evaluated: 2024-02-12. Review status: criteria provided, single submitter. Criteria: GeneDx Variant Classification Process June 2021. Collection method: clinical testing. Allele origin: germline. Affected: yes.
Comment: Has not been previously published as pathogenic or benign to our knowledge; Not located in the triple helical region, where the majority of pathogenic missense variants occur (PMID: 22696272; HGMD); In silico analysis indicates that this missense variant does not alter protein structure/function; This variant is associated with the following publications: (PMID: 22696272)

Ambry Genetics
Classification: Uncertain significance for Familial thoracic aortic aneurysm and aortic dissection. Last evaluated: 2022-12-28. Review status: criteria provided, single submitter. Criteria: Ambry Variant Classification Scheme 2023. Collection method: clinical testing. Allele origin: germline.
Comment: The p.I1573V variant (also known as c.4717A>G), located in coding exon 62 of the COL5A1 gene, results from an A to G substitution at nucleotide position 4717. The isoleucine at codon 1573 is replaced by valine, an amino acid with highly similar properties. This amino acid position is highly conserved in available vertebrate species. In addition, the in silico prediction for this alteration is inconclusive. Since supporting evidence is limited at this time, the clinical significance of this alteration remains unclear.

Fulgent Genetics
Classification: Uncertain significance for Ehlers-Danlos syndrome, classic type, 1; Fibromuscular dysplasia, multifocal. Last evaluated: 2021-10-08. Review status: criteria provided, single submitter. Criteria: ACMG Guidelines, 2015. Collection method: clinical testing. Allele origin: unknown.

Mayo Clinic Laboratories, Mayo Clinic
Classification: Uncertain significance. Last evaluated: 2020-05-12. Review status: criteria provided, single submitter. Criteria: ACMG Guidelines, 2015. Collection method: clinical testing. Allele origin: germline. Observed: 1 variant allele.

NM_000093.5(COL5A1):c.4717A>G (p.Ile1573Val)

Genes: COL5A1 (collagen type V alpha 1 chain; plus strand), LOC101448202 (uncharacterized LOC101448202; minus strand). Cytogenetic location: 9q34.3.
Variant type: single nucleotide variant.
Coding change: c.4717A>G on transcript NM_000093.5 (MANE Select); coding-DNA position 4717, A replaced by G.
Protein change: p.Ile1573Val; replaces isoleucine 1573 with valine.
Molecular consequence: missense variant.
Genome position (GRCh38, 1-based): chr9:134,824,618, A>G. VCF-style: chr9-134824618-A-G. GRCh37 (hg19) VCF-style: chr9-137716464-A-G.
Other names: c.4717A>G, p.Ile1573Val (NM_001278074.1); short protein forms I1573V.
Identifiers: ClinVar variation 220985 (VCV000220985.25), dbSNP rs373448943, ClinGen allele CA348234.